The following is an entry in ClinVar:

NM_001099667.3(ARMS2):c.*45T>G

Genes: ARMS2 (age-related maculopathy susceptibility 2; plus strand), HTRA1-AS1 (HTRA1 and ARMS2 antisense RNA 1; minus strand). Cytogenetic location: 10q26.13.
Variant type: single nucleotide variant.
Coding change: c.*45T>G on transcript NM_001099667.3 (MANE Select); 45 bases downstream of the stop codon, T replaced by G.
Molecular consequence: 3 prime UTR variant.
Genome position (GRCh38, 1-based): chr10:122,456,978, T>G. VCF-style: chr10-122456978-T-G. GRCh37 (hg19) VCF-style: chr10-124216494-T-G.
Identifiers: ClinVar variation 879637 (VCV000879637.5), dbSNP rs150019974, ClinGen allele CA5725774.

ClinVar aggregate classification (germline): Likely benign. Review status: criteria provided, multiple submitters, no conflicts (2 of 4 stars). 2 submissions from 2 submitters: Likely benign (2). Last evaluated 2018-01-12.

Conditions:
Age related macular degeneration 8. Identifiers: MedGen C3151070, MONDO:0013416, OMIM 613778.

Allele frequency attached by ClinVar (database versions not stated): gnomAD exomes 0.00041 and 0.00098; ExAC 0.00168; ESP Exome Variant Server 0.00384; gnomAD 0.00399 and 0.00424; 1000 Genomes Project 30x 0.00406; TOPMed 0.00435; 1000 Genomes Project 0.00439.
gnomAD v4.1: 1,212 of 1,551,140 alleles (0.078%); highest among the groups gnomAD compares: African/African-American, 1.4%; 11 homozygotes.

Submissions (2):

Illumina Laboratory Services, Illumina
Classification: Likely benign for Age related macular degeneration 8. Last evaluated: 2018-01-12. Review status: criteria provided, single submitter. Criteria: ICSL Variant Classification Criteria 13 December 2019. Collection method: clinical testing. Allele origin: germline.
Comment: This variant was observed in the ICSL laboratory as part of a predisposition screen in an ostensibly healthy population. It had not been previously curated by ICSL or reported in the Human Gene Mutation Database (HGMD: prior to June 1st, 2018), and was therefore a candidate for classification through an automated scoring system. Utilizing variant allele frequency, disease prevalence and penetrance estimates, and inheritance mode, an automated score was calculated to assess if this variant is too frequent to cause the disease. Based on the score and internal cut-off values, a variant classified as likely benign is not then subjected to further curation. The score for this variant resulted in a classification of likely benign for this disease.

Breakthrough Genomics
Classification: Likely benign. Review status: criteria provided, single submitter. Criteria: ACMG Guidelines, 2015. Collection method: not provided. Allele origin: germline. Inheritance: Unknown mechanism. Affected: yes.